The following is an entry in ClinVar:

ClinVar aggregate classification (germline): Uncertain significance (1 of 4 stars; one submission).

Conditions:
Hereditary cancer-predisposing syndrome. Also called: Neoplastic Syndromes, Hereditary; Tumor predisposition; Hereditary neoplastic syndrome; Hereditary Cancer Syndrome. Identifiers: Orphanet 140162, MedGen C0027672, MeSH D009386, MONDO:0015356.

Submission:

Ambry Genetics
Classification: Uncertain significance for Hereditary cancer-predisposing syndrome. Last evaluated: 2026-08-02. Review status: criteria provided, single submitter. Criteria: Ambry Variant Classification Scheme 2023. Collection method: clinical testing. Allele origin: germline.
Comment: The p.K441R variant (also known as c.1322A>G), located in coding exon 4 of the PALB2 gene, results from an A to G substitution at nucleotide position 1322. The lysine at codon 441 is replaced by arginine, an amino acid with highly similar properties. This amino acid position is conserved. In addition, this alteration is predicted to be tolerated by in silico analysis. Based on the available evidence, the clinical significance of this variant remains unclear.

NM_024675.4(PALB2):c.1322A>G (p.Lys441Arg)

Gene: PALB2 (partner and localizer of BRCA2; minus strand). Cytogenetic location: 16p12.2.
Variant type: single nucleotide variant.
Coding change: c.1322A>G on transcript NM_024675.4 (MANE Select); coding-DNA position 1322, A replaced by G.
Protein change: p.Lys441Arg; replaces lysine 441 with arginine.
Molecular consequence: missense variant. On other transcripts: intron variant (3).
Genome position (GRCh38, 1-based): chr16:23,635,224, T>C on the plus strand (A>G on the coding strand, the complement: PALB2 is on the minus strand). VCF-style: chr16-23635224-T-C. GRCh37 (hg19) VCF-style: chr16-23646545-T-C.
Other names: c.1322A>G, p.Lys441Arg (NM_001407302.1, NM_001407297.1, NM_001407298.1 and 3 more transcripts); c.437A>G, p.Lys146Arg (NM_001407304.1, NM_001407305.1, NM_001407306.1 and 5 more transcripts); c.1262A>G, p.Lys421Arg (NM_001407296.1); c.48+5886A>G (NM_001407314.1); c.-104-4755A>G (NM_001407313.1, NM_001407312.1); short protein forms K441R, K421R, K146R.
Identifiers: ClinVar variation 5026133 (VCV005026133.1).